The following is an entry in ClinVar:

ClinVar aggregate classification (germline): Likely benign. Review status: criteria provided, multiple submitters, no conflicts (2 of 4 stars). 2 submissions from 2 submitters: Likely benign (2). Last evaluated 2025-02-10.

Conditions:
Marfan syndrome (MFS). Also called: MARFAN SYNDROME, TYPE I; Marfan syndrome type 1; Marfan's syndrome; Marfan syndrome, classic; FBN1-Related Marfan Syndrome. Identifiers: Orphanet 284963, Orphanet 558, MedGen C0024796, MONDO:0007947, OMIM 154700.
Familial thoracic aortic aneurysm and aortic dissection (TAAD). Also called: Thoracic aortic aneurysms and dissections. Identifiers: Orphanet 91387, MedGen C4707243, MONDO:0019625.

Allele frequency attached by ClinVar (database versions not stated): TOPMed below 0.00001.

Submissions (2):

Ambry Genetics
Classification: Likely benign for Familial thoracic aortic aneurysm and aortic dissection. Last evaluated: 2025-02-10. Review status: criteria provided, single submitter. Criteria: Ambry Variant Classification Scheme 2023. Collection method: clinical testing. Allele origin: germline.

All of Us Research Program, National Institutes of Health
Classification: Likely benign for Marfan syndrome. Last evaluated: 2023-10-06. Review status: criteria provided, single submitter. Criteria: ACMG Guidelines, 2015. Collection method: clinical testing. Allele origin: germline. Inheritance: Autosomal dominant inheritance. Observed: 1 variant allele, 1 heterozygote.
Comment: This study involves interpretation of variants in research participants for the purpose of population health screening. Participant phenotype was not available at the time of variant classification. Additional details can be found in publication PMID: 35346344, PMCID: PMC8962531

NM_000138.5(FBN1):c.6462C>G (p.Pro2154=)

Gene: FBN1 (fibrillin 1; minus strand). Cytogenetic location: 15q21.1.
Variant type: single nucleotide variant.
Coding change: c.6462C>G on transcript NM_000138.5 (MANE Select); coding-DNA position 6462, C replaced by G.
Protein change: p.Pro2154=; no amino-acid change (proline 2154 retained).
Molecular consequence: synonymous variant.
Genome position (GRCh38, 1-based): chr15:48,436,995, G>C on the plus strand (C>G on the coding strand, the complement: FBN1 is on the minus strand). VCF-style: chr15-48436995-G-C. GRCh37 (hg19) VCF-style: chr15-48729192-G-C.
Other names: c.6462C>G, p.Pro2154= (NM_001406716.1).
Identifiers: ClinVar variation 3073742 (VCV003073742.2), dbSNP rs1031530636, ClinGen allele CA269526121.
Genomic context (GRCh38, chr15:48,436,995, plus strand): 5'-CCTATGGAAGAAAACTTATTACTCACCTACACATTCATTCCCTGCTAGAATATAACCAAA[G>C]GGACACTCGCAGCGATAGGAACCATCTGTATTGATGCACTGTCCATGTTTACAGACATCG-3'
Protein context (NP_000129.3, residues 2144-2164): NTDGSYRCEC[Pro2154=]FGYILAGNEC